The following is an entry in ClinVar:

NM_001943.5(DSG2):c.1546A>G (p.Thr516Ala)

Gene: DSG2 (desmoglein 2; plus strand). Cytogenetic location: 18q12.1.
Variant type: single nucleotide variant.
Coding change: c.1546A>G on transcript NM_001943.5 (MANE Select); coding-DNA position 1546, A replaced by G.
Protein change: p.Thr516Ala; replaces threonine 516 with alanine.
Molecular consequence: missense variant.
Genome position (GRCh38, 1-based): chr18:31,536,324, A>G. VCF-style: chr18-31536324-A-G. GRCh37 (hg19) VCF-style: chr18-29116287-A-G.
Other names: short protein forms T516A.
Identifiers: ClinVar variation 2775224 (VCV002775224.3), dbSNP rs2510917906, ClinGen allele CA402141742.

ClinVar aggregate classification (germline): Uncertain significance. Review status: criteria provided, multiple submitters, no conflicts (2 of 4 stars). 2 submissions from 2 submitters: Uncertain significance (2). Last evaluated 2024-03-07.

Conditions:
Cardiomyopathy (CMYO). Also called: Cardiomyopathies. Identifiers: Orphanet 167848, MedGen C0878544, MONDO:0004994, HP:0001638. Inheritance: Various modes of inheritance.
Arrhythmogenic right ventricular cardiomyopathy (ARVD). Also called: Arrhythmogenic right ventricular dysplasia; Cardiomyopathy, ARVC; Arrhythmogenic cardiomyopathy; Arrhythmogenic Right Ventricular Cardiomyopathy (ARVC). Identifiers: Orphanet 247, MedGen C0349788, MeSH D019571, MONDO:0016587. Disease mechanism: loss of function. Inheritance: Various modes of inheritance.

Allele frequency attached by ClinVar (database versions not stated): gnomAD exomes below 0.00001.
gnomAD v4.1: 1 of 1,614,214 alleles (0.000062%); highest among the groups gnomAD compares: Non-Finnish European, 0.000085%; no homozygotes.

Submissions (2):

Color Diagnostics, LLC DBA Color Health
Classification: Uncertain significance for Cardiomyopathy. Last evaluated: 2024-03-07. Review status: criteria provided, single submitter. Criteria: ACMG Guidelines, 2015. Collection method: clinical testing. Allele origin: germline.
Comment: This missense variant replaces threonine with alanine at codon 516 of the DSG2 protein. Computational prediction suggests that this variant may not impact protein structure and function (internally defined REVEL score threshold <= 0.5, PMID: 27666373). To our knowledge, functional studies have not been reported for this variant. This variant has not been reported in individuals affected with cardiovascular disorders in the literature. This variant has not been identified in the general population by the Genome Aggregation Database (gnomAD). The available evidence is insufficient to determine the role of this variant in disease conclusively. Therefore, this variant is classified as a Variant of Uncertain Significance.

All of Us Research Program, National Institutes of Health
Classification: Uncertain significance for Arrhythmogenic right ventricular cardiomyopathy. Last evaluated: 2023-06-26. Review status: criteria provided, single submitter. Criteria: ACMG Guidelines, 2015. Collection method: clinical testing. Allele origin: germline. Inheritance: Autosomal dominant inheritance. Observed: 1 variant allele, 1 heterozygote.
Comment: This missense variant replaces threonine with alanine at codon 516 of the DSG2 protein. Computational prediction suggests that this variant may not impact protein structure and function (internally defined REVEL score threshold <= 0.5, PMID: 27666373). To our knowledge, functional studies have not been reported for this variant. This variant has not been reported in individuals affected with cardiovascular disorders in the literature. This variant has not been identified in the general population by the Genome Aggregation Database (gnomAD). The available evidence is insufficient to determine the role of this variant in disease conclusively. Therefore, this variant is classified as a Variant of Uncertain Significance.

This study involves interpretation of variants in research participants for the purpose of population health screening. Participant phenotype was not available at the time of variant classification. Additional details can be found in publication PMID: 35346344, PMCID: PMC8962531